The following is an entry in ClinVar:

ClinVar aggregate classification (germline): Uncertain significance (1 of 4 stars; one submission).

Allele frequency attached by ClinVar (database versions not stated): gnomAD exomes below 0.00001.
gnomAD v4.1: 4 of 1,610,622 alleles (0.00025%); highest among the groups gnomAD compares: Non-Finnish European, 0.00034%; no homozygotes.

Submission:

CeGaT Center for Human Genetics Tuebingen
Classification: Uncertain significance. Last evaluated: 2023-03-01. Review status: criteria provided, single submitter. Criteria: CeGaT Center For Human Genetics Tuebingen Variant Classification Criteria Version 2. Collection method: clinical testing. Allele origin: germline. Affected: yes. Observed: 1 variant allele.
Comment: CFH: PM2, BP4

NM_000186.4(CFH):c.395A>G (p.Asp132Gly)

Gene: CFH (complement factor H; plus strand). Cytogenetic location: 1q31.3.
Variant type: single nucleotide variant.
Coding change: c.395A>G on transcript NM_000186.4 (MANE Select); coding-DNA position 395, A replaced by G.
Protein change: p.Asp132Gly; replaces aspartic acid 132 with glycine.
Molecular consequence: missense variant.
Genome position (GRCh38, 1-based): chr1:196,676,033, A>G. VCF-style: chr1-196676033-A-G. GRCh37 (hg19) VCF-style: chr1-196645163-A-G.
Other names: c.395A>G, p.Asp132Gly (NM_001014975.3); short protein forms D132G.
Identifiers: ClinVar variation 2639683 (VCV002639683.24), dbSNP rs2529339475, ClinGen allele CA343976621.
Genomic context (GRCh38, chr1:196,676,033, plus strand): 5'-ATTTTTTGGTTTTCAGGTATCAATTGCTAGGTGAGATTAATTACCGTGAATGTGACACAG[A>G]TGGATGGACCAATGATATTCCTATATGTGAAGGTAGACATAAAATGTATTTACAAGTATA-3'
Protein context (NP_000177.2, residues 122-142): GEINYRECDT[Asp132Gly]GWTNDIPICE